The following is an entry in ClinVar:

ClinVar aggregate classification (germline): Conflicting classifications of pathogenicity. Review status: criteria provided, conflicting classifications (1 of 4 stars). 5 submissions from 5 submitters: Pathogenic (1); Uncertain significance (2). 2 of the submissions do not count toward it. Last evaluated 2021-04-15.

Conditions:
Combined oxidative phosphorylation deficiency 35 (COXPD35). Identifiers: MedGen C4693466, MONDO:0054742, OMIM 617873.
TRIT1 Deficiency.

Allele frequency attached by ClinVar (database versions not stated): TOPMed 0.00001; ExAC 0.00002; 1000 Genomes Project 30x 0.00016; 1000 Genomes Project 0.00020.
gnomAD v4.1: 11 of 1,613,908 alleles (0.00068%); highest among the groups gnomAD compares: African/African-American, 0.004%; no homozygotes.

Submissions (5):

GeneDx
Classification: Uncertain significance. Last evaluated: 2021-04-15. Review status: criteria provided, single submitter. Criteria: GeneDx Variant Classification Process June 2021. Collection method: clinical testing. Allele origin: germline. Affected: yes.
Comment: Not observed at a significant frequency in large population cohorts (Lek et al., 2016); Nonsense variant predicted to result in protein truncation, although loss-of-function variants have not been reported downstream of this position in the protein; This variant is associated with the following publications: (PMID: 28185376)

SIB Swiss Institute of Bioinformatics
Classification: Uncertain significance for Combined oxidative phosphorylation deficiency 35. Last evaluated: 2018-10-15. Review status: criteria provided, single submitter. Criteria: ACMG Guidelines, 2015. Collection method: curation. Allele origin: germline.
Comment: This variant is interpreted as Uncertain Significance - Insufficient Evidence, for Combined oxidative phosphorylation deficiency 35, autosomal recessive. The following ACMG Tag(s) were applied: PM2 => Absent from controls (or at extremely low frequency if recessive) in Exome Sequencing Project, 1000 Genomes Project, or Exome Aggregation Consortium. PVS1-Moderate => PVS1 downgraded in strength to Moderate.

Department of Medical Genetics, Sanjay Gandhi Post Graduate Institute of Medical Sciences
Classification: Pathogenic for Combined oxidative phosphorylation deficiency 35. Review status: criteria provided, single submitter. Criteria: ACMG Guidelines, 2015. Collection method: clinical testing. Allele origin: germline. Inheritance: Autosomal recessive inheritance. Affected: yes. Observed: 1 compound heterozygote.

OMIM
Classification: Pathogenic for COMBINED OXIDATIVE PHOSPHORYLATION DEFICIENCY 35. Last evaluated: 2018-02-16. Review status: no assertion criteria provided. Collection method: literature only. Allele origin: germline. Not counted in ClinVar's aggregate classification.

Care4Rare-SOLVE, CHEO
Classification: Uncertain significance for TRIT1 Deficiency. Review status: no assertion criteria provided. Collection method: research. Allele origin: inherited. Affected: yes. Observed: 1 variant allele. Study: Care4Rare. Not counted in ClinVar's aggregate classification.
Comment: This variant was seen in a heterozygous state with c.1256A>C.

Literature cited by the submitters: PubMed 28185376 (cited by OMIM).

NM_017646.6(TRIT1):c.1204C>T (p.Arg402Ter)

Gene: TRIT1 (tRNA isopentenyltransferase 1; minus strand). Cytogenetic location: 1p34.2.
Variant type: single nucleotide variant.
Coding change: c.1204C>T on transcript NM_017646.6 (MANE Select); coding-DNA position 1204, C replaced by T.
Protein change: p.Arg402Ter; replaces arginine 402 with a stop codon.
Molecular consequence: nonsense.
Genome position (GRCh38, 1-based): chr1:39,844,131, G>A on the plus strand (C>T on the coding strand, the complement: TRIT1 is on the minus strand). VCF-style: chr1-39844131-G-A. GRCh37 (hg19) VCF-style: chr1-40309803-G-A.
Other names: c.1126C>T, p.Arg376Ter (NM_001312691.2); c.958C>T, p.Arg320Ter (NM_001312692.2); short protein forms R402*, R320*, R376*.
Identifiers: ClinVar variation 417682 (VCV000417682.6), dbSNP rs367752391, ClinGen allele CA787882.
Genomic context (GRCh38, chr1:39,844,131, plus strand): 5'-GATTTCTTCATGCCCCTCCCCATACTCTACCTGCCCATTCGCGATCCCCAATGATGATTC[G>A]ATCACAGAGGTCACACAGGTGATAACTTCTCTTGTTCTCAGCTTCATTGTATGGCATCTT-3'